The following is an entry in ClinVar:

ClinVar aggregate classification (germline): Pathogenic (1 of 4 stars; one submission).

Conditions:
Chédiak-Higashi syndrome (CHS). Also called: Chediak-Higashi Syndrome. Identifiers: Orphanet 167, MedGen C0007965, MONDO:0008963, OMIM 214500.

Submission:

Labcorp Genetics (formerly Invitae), Labcorp
Classification: Pathogenic for Chédiak-Higashi syndrome. Last evaluated: 2025-12-19. Review status: criteria provided, single submitter. Criteria: Invitae Variant Classification Sherloc (09022015). Collection method: clinical testing. Allele origin: germline.
Comment: This sequence change creates a premature translational stop signal (p.Trp2734*) in the LYST gene. It is expected to result in an absent or disrupted protein product. Loss-of-function variants in LYST are known to be pathogenic (PMID: 9215679, 11857544). This variant is not present in population databases (gnomAD no frequency). This variant has not been reported in the literature in individuals affected with LYST-related conditions. For these reasons, this variant has been classified as Pathogenic.

Literature cited by the submitters: PubMed 9215679; PubMed 11857544.

NM_000081.4(LYST):c.8201G>A (p.Trp2734Ter)

Gene: LYST (lysosomal trafficking regulator; minus strand). Cytogenetic location: 1q42.3.
Variant type: single nucleotide variant.
Coding change: c.8201G>A on transcript NM_000081.4 (MANE Select); coding-DNA position 8201, G replaced by A.
Protein change: p.Trp2734Ter; replaces tryptophan 2734 with a stop codon.
Molecular consequence: nonsense.
Genome position (GRCh38, 1-based): chr1:235,741,579, C>T on the plus strand (G>A on the coding strand, the complement: LYST is on the minus strand). VCF-style: chr1-235741579-C-T. GRCh37 (hg19) VCF-style: chr1-235904879-C-T.
Other names: c.8201G>A, p.Trp2734Ter (NM_001301365.1); short protein forms W2734*.
Identifiers: ClinVar variation 4731399 (VCV004731399.1).